The following is an entry in ClinVar:

ClinVar aggregate classification (germline): Uncertain significance (1 of 4 stars; one submission).

Submission:

Labcorp Genetics (formerly Invitae), Labcorp
Classification: Uncertain significance. Last evaluated: 2022-07-27. Review status: criteria provided, single submitter. Criteria: Invitae Variant Classification Sherloc (09022015). Collection method: clinical testing. Allele origin: germline.
Comment: In summary, the available evidence is currently insufficient to determine the role of this variant in disease. Therefore, it has been classified as a Variant of Uncertain Significance. Algorithms developed to predict the effect of missense changes on protein structure and function are either unavailable or do not agree on the potential impact of this missense change (SIFT: "Deleterious"; PolyPhen-2: "Possibly Damaging"; Align-GVGD: "Class C0"). This variant has not been reported in the literature in individuals affected with MED12L-related conditions. This variant is not present in population databases (gnomAD no frequency). This sequence change replaces proline, which is neutral and non-polar, with glutamine, which is neutral and polar, at codon 264 of the MED12L protein (p.Pro264Gln).

NM_001393769.1(MED12L):c.791C>A (p.Pro264Gln)

Gene: MED12L (mediator complex subunit 12L; plus strand). Cytogenetic location: 3q25.1.
Variant type: single nucleotide variant.
Coding change: c.791C>A on transcript NM_001393769.1 (MANE Select); coding-DNA position 791, C replaced by A.
Protein change: p.Pro264Gln; replaces proline 264 with glutamine.
Molecular consequence: missense variant.
Genome position (GRCh38, 1-based): chr3:151,158,753, C>A. VCF-style: chr3-151158753-C-A. GRCh37 (hg19) VCF-style: chr3-150876540-C-A.
Other names: c.791C>A, p.Pro264Gln (NM_053002.6); short protein forms P264Q.
Identifiers: ClinVar variation 1974170 (VCV001974170.5), dbSNP rs775602561, ClinGen allele CA354960557.
Genomic context (GRCh38, chr3:151,158,753, plus strand): 5'-GAATGTTAGAAAAACACGAATATTTGACATGGATCCTGGATGTTTTAGAAAAGATCAGAC[C>A]AATGGATGATGATCTTCTTAAACTCTTGCTACCACTAATGCTGCAGGTATAGTACATGTC-3'
Protein context (NP_001380698.1, residues 254-274): WILDVLEKIR[Pro264Gln]MDDDLLKLLL